The following is an entry in ClinVar:

ClinVar aggregate classification (germline): Pathogenic (1 of 4 stars; one submission).

Conditions:
Autosomal recessive distal spinal muscular atrophy 2. Also called: NEURONOPATHY, DISTAL HEREDITARY MOTOR, JERASH TYPE; NEUROPATHY, DISTAL HEREDITARY MOTOR, JERASH TYPE; SPINAL MUSCULAR ATROPHY, JERASH TYPE; Hereditary motor neuropathy, Jerash type; Motor neuropathy, distal, Jerash type; NEUROPATHY, DISTAL HEREDITARY MOTOR, AUTOSOMAL RECESSIVE 2. Identifiers: Orphanet 139552, MedGen C1854023, MONDO:0011585, OMIM 605726.
Amyotrophic lateral sclerosis type 16. Also called: AMYOTROPHIC LATERAL SCLEROSIS 16, JUVENILE. Identifiers: Orphanet 300605, MedGen C3280587, MONDO:0013715, OMIM 614373.

Submission:

Labcorp Genetics (formerly Invitae), Labcorp
Classification: Pathogenic for Autosomal recessive distal spinal muscular atrophy 2; Amyotrophic lateral sclerosis type 16. Last evaluated: 2024-11-03. Review status: criteria provided, single submitter. Criteria: Invitae Variant Classification Sherloc (09022015). Collection method: clinical testing. Allele origin: germline.
Comment: This sequence change creates a premature translational stop signal (p.Val73Cysfs*11) in the SIGMAR1 gene. It is expected to result in an absent or disrupted protein product. Loss-of-function variants in SIGMAR1 are known to be pathogenic (PMID: 26078401, 27402882, 28708278, 29115704). This variant is present in population databases (no rsID available, gnomAD 0.003%). This variant has not been reported in the literature in individuals affected with SIGMAR1-related conditions. For these reasons, this variant has been classified as Pathogenic.

Literature cited by the submitters: PubMed 26078401; PubMed 27402882; PubMed 28708278; PubMed 29115704.

NM_005866.4(SIGMAR1):c.217_220del (p.Val73fs)

Gene: SIGMAR1 (sigma receptor chaperone 1; minus strand). Cytogenetic location: 9p13.3.
Variant type: Deletion.
Coding change: c.217_220del on transcript NM_005866.4 (MANE Select); coding-DNA positions 217 to 220, 4 bases deleted (GTGC; older notation c.217_220delGTGC).
Protein change: p.Val73fs; shifts the reading frame from valine 73.
Molecular consequence: frameshift variant. On other transcripts: 5 prime UTR variant (1), non-coding transcript variant (1).
Genome position (GRCh38, 1-based): chr9:34,637,352-34,637,355, GCAC deleted on the plus strand (GTGC on the coding strand, the reverse complement: SIGMAR1 is on the minus strand); deleting any 4 consecutive bases within chr9:34,637,352-34,637,356 gives the same sequence; the c. name uses the placement nearest the transcript's 3' end. VCF-style (leftmost placement, unchanged base first): chr9-34637351-AGCAC-A. GRCh37 (hg19) VCF-style: chr9-34637348-AGCAC-A.
Other names: c.217_220del, p.Val73fs (NM_001282205.2, NM_001282208.2, NM_001282209.2 and 1 more transcripts); c.-37_-34del (NM_001282206.2); c.157_160del, p.Val53fs (NM_001282207.2); short protein forms V53fs, V73fs.
Identifiers: ClinVar variation 3749597 (VCV003749597.2).
Genomic context (GRCh38, chr9:34,637,351, plus strand): 5'-CACATGGCGCCCATCCAGCCACCCGCATTCACGAACACCCACTGCAGCTCCTCGTCGGGC[AGCAC>A]GTGGCCTGGGTGCAGCCGCCGCAGCTCCACGATCAGACGAGAGAAGGCCAGCTCGTGGTC-3'